The following is an entry in ClinVar:

ClinVar aggregate classification (germline): Likely benign. Review status: criteria provided, multiple submitters, no conflicts (2 of 4 stars). 2 submissions from 2 submitters: Likely benign (2). Last evaluated 2023-10-27.

Allele frequency attached by ClinVar (database versions not stated): gnomAD 0.00001; gnomAD exomes 0.00001; TOPMed 0.00001; ExAC 0.00002.

Submissions (2):

Labcorp Genetics (formerly Invitae), Labcorp
Classification: Likely benign. Last evaluated: 2023-10-27. Review status: criteria provided, single submitter. Criteria: Invitae Variant Classification Sherloc (09022015). Collection method: clinical testing. Allele origin: germline.

CeGaT Center for Human Genetics Tuebingen
Classification: Likely benign. Last evaluated: 2022-07-01. Review status: criteria provided, single submitter. Criteria: CeGaT Center For Human Genetics Tuebingen Variant Classification Criteria Version 2. Collection method: clinical testing. Allele origin: germline. Affected: yes. Observed: 1 variant allele.
Comment: ATP5F1A: BP4, BP7

NM_004046.6(ATP5F1A):c.696C>T (p.Phe232=)

Gene: ATP5F1A (ATP synthase F1 subunit alpha; minus strand). Cytogenetic location: 18q21.1.
Variant type: single nucleotide variant.
Coding change: c.696C>T on transcript NM_004046.6 (MANE Select); coding-DNA position 696, C replaced by T.
Protein change: p.Phe232=; no amino-acid change (phenylalanine 232 retained).
Molecular consequence: synonymous variant.
Genome position (GRCh38, 1-based): chr18:46,088,212, G>A on the plus strand (C>T on the coding strand, the complement: ATP5F1A is on the minus strand). VCF-style: chr18-46088212-G-A. GRCh37 (hg19) VCF-style: chr18-43668178-G-A.
Other names: c.546C>T, p.Phe182= (NM_001001935.3, NM_001257335.2); c.696C>T, p.Phe232= (NM_001001937.2); c.630C>T, p.Phe210= (NM_001257334.2).
Identifiers: ClinVar variation 1900454 (VCV001900454.29), dbSNP rs59386231, ClinGen allele CA8950743.
Genomic context (GRCh38, chr18:46,088,212, plus strand): 5'-CTTTTGACCAATAGCAACATAAATACAGTACAGCTTCTTCTTTTCATCAGATCCATCATT[G>A]AAACGTTTCTGGTTAATGATTGTGTCAATAGCAATTGAGGTTTTCCTTTAAAAAGAGAAA-3'
Protein context (NP_004037.1, residues 222-242): AIDTIINQKR[Phe232=]NDGSDEKKKL